The following is an entry in ClinVar:

ClinVar aggregate classification (germline): Conflicting classifications of pathogenicity. Review status: criteria provided, conflicting classifications (1 of 4 stars). 4 submissions from 4 submitters: Likely pathogenic (3); Uncertain significance (1). Last evaluated 2026-08-15.

Conditions:
Progressive myoclonic epilepsy type 7. Identifiers: Orphanet 435438, MedGen C4015420, MONDO:0014521, OMIM 616187.

Submissions (4):

GeneDx
Classification: Likely pathogenic. Last evaluated: 2026-08-15. Review status: criteria provided, single submitter. Criteria: GeneDx Variant Classification Process June 2021. Collection method: clinical testing. Allele origin: germline.
Comment: Previously reported in three individuals from a single family with intellectual disability and dysmorphic features without seizures (PMID: 28145425); Published functional studies suggest >50% reduction of KCNC1 transcript in affected individuals, and reduced whole-cell currents and dominant negative affect In vitro; however, further studies are needed to better understand the mechanism of disease (PMID: 31353855, 28145425); Not observed at significant frequency in large population cohorts (gnomAD); Nonsense variant predicted to result in protein truncation or nonsense mediated decay in a gene or region of a gene for which loss of function is not a well-established mechanism of disease; This variant is associated with the following publications: (PMID: 28145425, 33735526, 34733949, 31353855, 27535533)

CeGaT Center for Human Genetics Tuebingen
Classification: Likely pathogenic. Last evaluated: 2023-06-01. Review status: criteria provided, single submitter. Criteria: CeGaT Center For Human Genetics Tuebingen Variant Classification Criteria Version 2. Collection method: clinical testing. Allele origin: germline. Affected: yes. Observed: 1 variant allele.
Comment: KCNC1: PVS1:Strong, PM2, PS4:Moderate

Mendelics
Classification: Likely pathogenic for Progressive myoclonic epilepsy type 7. Last evaluated: 2022-05-04. Review status: criteria provided, single submitter. Criteria: Mendelics Assertion Criteria 2019. Collection method: clinical testing. Allele origin: germline.

Labcorp Genetics (formerly Invitae), Labcorp
Classification: Uncertain significance for Progressive myoclonic epilepsy type 7. Last evaluated: 2019-07-22. Review status: criteria provided, single submitter. Criteria: Invitae Variant Classification Sherloc (09022015). Collection method: clinical testing. Allele origin: germline.
Comment: The current clinical and genetic evidence is not sufficient to establish whether loss-of-function variants in KCNC1 cause disease. This sequence change creates a premature translational stop signal (p.Arg339*) in the KCNC1 gene. It is expected to result in an absent or disrupted protein product. This variant is not present in population databases (ExAC no frequency). This variant has been observed in a family affected with intellectual disability and mildly dysmorphic features (PMID: 28145425). In summary, the available evidence is currently insufficient to determine the role of this variant in disease. Therefore, it has been classified as a Variant of Uncertain Significance.

Literature cited by the submitters: PubMed 28145425 (cited by Labcorp Genetics (formerly Invitae), Labcorp).

NM_001112741.2(KCNC1):c.1015C>T (p.Arg339Ter)

Gene: KCNC1 (potassium voltage-gated channel subfamily C member 1; plus strand). Cytogenetic location: 11p15.1.
Variant type: single nucleotide variant.
Coding change: c.1015C>T on transcript NM_001112741.2 (MANE Select); coding-DNA position 1015, C replaced by T.
Protein change: p.Arg339Ter; replaces arginine 339 with a stop codon.
Molecular consequence: nonsense.
Genome position (GRCh38, 1-based): chr11:17,772,109, C>T. VCF-style: chr11-17772109-C-T. GRCh37 (hg19) VCF-style: chr11-17793656-C-T.
Other names: c.1015C>T, p.Arg339Ter (NM_004976.4); short protein forms R339*.
Identifiers: ClinVar variation 856458 (VCV000856458.38), dbSNP rs1849236683, ClinGen allele CA379807364.